The following is an entry in ClinVar:

NM_178857.6(RP1L1):c.193A>G (p.Met65Val)

Gene: RP1L1 (RP1 like 1). Cytogenetic location: 8p23.1.
Variant type: single nucleotide variant.
Coding change: c.193A>G on transcript NM_178857.6 (MANE Select); coding-DNA position 193, A replaced by G.
Protein change: p.Met65Val; replaces methionine 65 with valine.
Molecular consequence: missense variant.
Genome position (GRCh38, 1-based): chr8:10,623,009, T>C on the plus strand (A>G on the coding strand, the complement: RP1L1 is on the minus strand). VCF-style: chr8-10623009-T-C. GRCh37 (hg19) VCF-style: chr8-10480519-T-C.
Other names: short protein forms M65V.
Identifiers: ClinVar variation 3434966 (VCV003434966.3).

ClinVar aggregate classification (germline): Uncertain significance. Review status: criteria provided, multiple submitters, no conflicts (2 of 4 stars). 2 submissions from 2 submitters: Uncertain significance (2). Last evaluated 2025-03-17.

Conditions:
Inborn genetic diseases. Identifiers: MedGen C0950123, MeSH D030342.

gnomAD v4.1: 8 of 1,614,030 alleles (0.0005%); highest among the groups gnomAD compares: South Asian, 0.0011%; no homozygotes.

Submissions (2):

Labcorp Genetics (formerly Invitae), Labcorp
Classification: Uncertain significance. Last evaluated: 2025-03-17. Review status: criteria provided, single submitter. Criteria: Invitae Variant Classification Sherloc (09022015). Collection method: clinical testing. Allele origin: germline.
Comment: This sequence change replaces methionine, which is neutral and non-polar, with valine, which is neutral and non-polar, at codon 65 of the RP1L1 protein (p.Met65Val). This variant is present in population databases (rs752235444, gnomAD 0.0009%). This variant has not been reported in the literature in individuals affected with RP1L1-related conditions. ClinVar contains an entry for this variant (Variation ID: 3434966). Invitae Evidence Modeling of protein sequence and biophysical properties (such as structural, functional, and spatial information, amino acid conservation, physicochemical variation, residue mobility, and thermodynamic stability) indicates that this missense variant is not expected to disrupt RP1L1 protein function with a negative predictive value of 80%. In summary, the available evidence is currently insufficient to determine the role of this variant in disease. Therefore, it has been classified as a Variant of Uncertain Significance.

Ambry Genetics
Classification: Uncertain significance for Inborn genetic diseases. Last evaluated: 2024-12-02. Review status: criteria provided, single submitter. Criteria: Ambry Variant Classification Scheme 2023. Collection method: clinical testing. Allele origin: germline.